The following is an entry in ClinVar:

NM_001267550.2(TTN):c.35797+107C>T

Gene: TTN (titin; minus strand). Cytogenetic location: 2q31.2.
Variant type: single nucleotide variant.
Coding change: c.35797+107C>T on transcript NM_001267550.2 (MANE Select); 107 bases into the intron after coding-DNA position 35797, C replaced by T.
Molecular consequence: intron variant.
Genome position (GRCh38, 1-based): chr2:178,667,129, G>A on the plus strand (C>T on the coding strand, the complement: TTN is on the minus strand). VCF-style: chr2-178667129-G-A. GRCh37 (hg19) VCF-style: chr2-179531856-G-A.
Other names: c.13283-24812C>T (NM_003319.4); c.13859-24812C>T (NM_133437.4); c.13658-24812C>T (NM_133432.3); c.31483+3089C>T (NM_133378.4); c.34264+3089C>T (NM_001256850.1).
Identifiers: ClinVar variation 672613 (VCV000672613.2), dbSNP rs10221760, ClinGen allele CA60975897.

ClinVar aggregate classification (germline): Benign. Review status: criteria provided, multiple submitters, no conflicts (2 of 4 stars). 2 submissions from 2 submitters: Benign (2). Last evaluated 2018-06-18.

Allele frequency attached by ClinVar (database versions not stated): gnomAD exomes 0.04298; gnomAD 0.11328 and 0.11414; TOPMed 0.12454; 1000 Genomes Project 0.15116; 1000 Genomes Project 30x 0.15443.
gnomAD v4.1: 58,983 of 1,111,474 alleles (5.3%); highest among the groups gnomAD compares: African/African-American, 27%; 4,378 homozygotes.

Submissions (2):

GeneDx
Classification: Benign. Last evaluated: 2018-06-18. Review status: criteria provided, single submitter. Criteria: GeneDx Variant Classification (06012015). Collection method: clinical testing. Allele origin: germline. Affected: yes.
Comment: This variant is considered likely benign or benign based on one or more of the following criteria: it is a conservative change, it occurs at a poorly conserved position in the protein, it is predicted to be benign by multiple in silico algorithms, and/or has population frequency not consistent with disease.

Breakthrough Genomics
Classification: Benign. Review status: criteria provided, single submitter. Criteria: ACMG Guidelines, 2015. Collection method: not provided. Allele origin: germline. Inheritance: Autosomal recessive inheritance. Affected: yes.